The following is an entry in ClinVar:

NM_052989.3(IFT122):c.478A>G (p.Asn160Asp)

Gene: IFT122 (intraflagellar transport 122; plus strand). Cytogenetic location: 3q21.3.
Variant type: single nucleotide variant.
Coding change: c.478A>G on transcript NM_052989.3 (MANE Select); coding-DNA position 478, A replaced by G.
Protein change: p.Asn160Asp; replaces asparagine 160 with aspartic acid.
Molecular consequence: missense variant.
Genome position (GRCh38, 1-based): chr3:129,464,696, A>G. VCF-style: chr3-129464696-A-G. GRCh37 (hg19) VCF-style: chr3-129183539-A-G.
Other names: c.631A>G (NM_052985.2); c.631A>G, p.Asn211Asp (NM_001280541.2, NM_052985.4); c.28A>G, p.Asn10Asp (NM_001280545.2, NM_001280546.2); c.478A>G, p.Asn160Asp (NM_018262.4); c.322A>G, p.Asn108Asp (NM_052990.3); short protein forms N108D, N10D, N160D, N211D.
Identifiers: ClinVar variation 1478596 (VCV001478596.8), dbSNP rs199886551, ClinGen allele CA2605887.

ClinVar aggregate classification (germline): Uncertain significance. Review status: criteria provided, multiple submitters, no conflicts (2 of 4 stars). 3 submissions from 3 submitters: Uncertain significance (3). Last evaluated 2024-11-21.

Conditions:
Inborn genetic diseases. Identifiers: MedGen C0950123, MeSH D030342.
Cranioectodermal dysplasia 1 (CED1). Also called: LEVIN SYNDROME I. Identifiers: Orphanet 1515, MedGen C0432235, MONDO:0021093, OMIM 218330.

Allele frequency attached by ClinVar (database versions not stated): ESP Exome Variant Server 0.00008; ExAC 0.00014; gnomAD exomes 0.00015; 1000 Genomes Project 30x 0.00016; gnomAD 0.00019 and 0.00021; 1000 Genomes Project 0.00020; TOPMed 0.00025.
gnomAD v4.1: 407 of 1,614,118 alleles (0.025%); highest among the groups gnomAD compares: Middle Eastern, 0.066%; no homozygotes.

Submissions (3):

Ambry Genetics
Classification: Uncertain significance for Inborn genetic diseases. Last evaluated: 2024-11-21. Review status: criteria provided, single submitter. Criteria: Ambry Variant Classification Scheme 2023. Collection method: clinical testing. Allele origin: germline.

Labcorp Genetics (formerly Invitae), Labcorp
Classification: Uncertain significance for Cranioectodermal dysplasia 1. Last evaluated: 2022-07-26. Review status: criteria provided, single submitter. Criteria: Invitae Variant Classification Sherloc (09022015). Collection method: clinical testing. Allele origin: germline.
Comment: This sequence change replaces asparagine, which is neutral and polar, with aspartic acid, which is acidic and polar, at codon 211 of the IFT122 protein (p.Asn211Asp). This variant is present in population databases (rs199886551, gnomAD 0.03%). This variant has not been reported in the literature in individuals affected with IFT122-related conditions. ClinVar contains an entry for this variant (Variation ID: 1478596). Algorithms developed to predict the effect of missense changes on protein structure and function are either unavailable or do not agree on the potential impact of this missense change (SIFT: "Deleterious"; PolyPhen-2: "Possibly Damaging"; Align-GVGD: "Class C0"). In summary, the available evidence is currently insufficient to determine the role of this variant in disease. Therefore, it has been classified as a Variant of Uncertain Significance.

Fulgent Genetics
Classification: Uncertain significance for Cranioectodermal dysplasia 1. Last evaluated: 2022-05-19. Review status: criteria provided, single submitter. Criteria: ACMG Guidelines, 2015. Collection method: clinical testing. Allele origin: unknown.